The following is an entry in ClinVar:

ClinVar aggregate classification (germline): Uncertain significance (1 of 4 stars; one submission).

Allele frequency attached by ClinVar (database versions not stated): gnomAD exomes below 0.00001; gnomAD 0.00001; TOPMed 0.00002.
gnomAD v4.1: 4 of 1,613,724 alleles (0.00025%); highest among the groups gnomAD compares: Non-Finnish European, 0.00034%; no homozygotes.

Submission:

Labcorp Genetics (formerly Invitae), Labcorp
Classification: Uncertain significance. Last evaluated: 2021-11-30. Review status: criteria provided, single submitter. Criteria: Invitae Variant Classification Sherloc (09022015). Collection method: clinical testing. Allele origin: germline.
Comment: This variant is present in population databases (no rsID available, gnomAD 0.0009%). This sequence change replaces isoleucine, which is neutral and non-polar, with methionine, which is neutral and non-polar, at codon 1114 of the ATR protein (p.Ile1114Met). This variant has not been reported in the literature in individuals affected with ATR-related conditions. In summary, the available evidence is currently insufficient to determine the role of this variant in disease. Therefore, it has been classified as a Variant of Uncertain Significance. Algorithms developed to predict the effect of missense changes on protein structure and function are either unavailable or do not agree on the potential impact of this missense change (SIFT: "Deleterious"; PolyPhen-2: "Benign"; Align-GVGD: "Class C0").

NM_001184.4(ATR):c.3342A>G (p.Ile1114Met)

Gene: ATR (ATR checkpoint kinase; minus strand). Cytogenetic location: 3q23.
Variant type: single nucleotide variant.
Coding change: c.3342A>G on transcript NM_001184.4 (MANE Select); coding-DNA position 3342, A replaced by G.
Protein change: p.Ile1114Met; replaces isoleucine 1114 with methionine.
Molecular consequence: missense variant.
Genome position (GRCh38, 1-based): chr3:142,547,740, T>C on the plus strand (A>G on the coding strand, the complement: ATR is on the minus strand). VCF-style: chr3-142547740-T-C. GRCh37 (hg19) VCF-style: chr3-142266582-T-C.
Other names: c.3150A>G, p.Ile1050Met (NM_001354579.2); short protein forms I1050M, I1114M.
Identifiers: ClinVar variation 1422774 (VCV001422774.6), dbSNP rs1303699973, ClinGen allele CA354810335.